The following is an entry in ClinVar:

ClinVar aggregate classification (germline): Uncertain significance (1 of 4 stars; one submission).

Submission:

GeneDx
Classification: Uncertain significance. Last evaluated: 2024-02-29. Review status: criteria provided, single submitter. Criteria: GeneDx Variant Classification Process June 2021. Collection method: clinical testing. Allele origin: germline. Affected: yes.
Comment: Not observed at significant frequency in large population cohorts (gnomAD); In silico analysis supports that this missense variant has a deleterious effect on protein structure/function; Has not been previously published as pathogenic or benign to our knowledge; This substitution is predicted to be within the transmembrane segment S5 of the first homologous domain

NM_001330260.2(SCN8A):c.819C>A (p.Phe273Leu)

Gene: SCN8A (sodium voltage-gated channel alpha subunit 8; plus strand). Cytogenetic location: 12q13.13.
Variant type: single nucleotide variant.
Coding change: c.819C>A on transcript NM_001330260.2 (MANE Select); coding-DNA position 819, C replaced by A.
Protein change: p.Phe273Leu; replaces phenylalanine 273 with leucine.
Molecular consequence: missense variant.
Genome position (GRCh38, 1-based): chr12:51,699,682, C>A. VCF-style: chr12-51699682-C-A. GRCh37 (hg19) VCF-style: chr12-52093466-C-A.
Other names: c.819C>A, p.Phe273Leu (NM_001177984.3, NM_001369788.1, NM_014191.4); short protein forms F273L.
Identifiers: ClinVar variation 3373574 (VCV003373574.1).